The following is an entry in ClinVar:

NM_001868.4(CPA1):c.787T>C (p.Leu263=)

Gene: CPA1 (carboxypeptidase A1; plus strand). Cytogenetic location: 7q32.2.
Variant type: single nucleotide variant.
Coding change: c.787T>C on transcript NM_001868.4 (MANE Select); coding-DNA position 787, T replaced by C.
Protein change: p.Leu263=; no amino-acid change (leucine 263 retained).
Molecular consequence: synonymous variant.
Genome position (GRCh38, 1-based): chr7:130,384,626, T>C. VCF-style: chr7-130384626-T-C. GRCh37 (hg19) VCF-style: chr7-130024467-T-C.
Identifiers: ClinVar variation 827309 (VCV000827309.11), dbSNP rs782458397, ClinGen allele CA4484932.
Genomic context (GRCh38, chr7:130,384,626, plus strand): 5'-ACAGCAGGCTCCCTCTGTATTGGCGTGGACCCCAACAGGAACTGGGACGCTGGCTTTGGG[T>C]GTAAGGCCCAGAGTGTCTTGGGAGCAAGGATGGGATGGCCTCGAATGGCTCCTCACCACT-3'
Protein context (NP_001859.1, residues 253-273): PNRNWDAGFG[Leu263=]SGASSNPCSE

ClinVar aggregate classification (germline): Conflicting classifications of pathogenicity. Review status: criteria provided, conflicting classifications (1 of 4 stars). 2 submissions from 2 submitters: Uncertain significance (1); Likely benign (1). Last evaluated 2024-12-13.

Conditions:
Hereditary pancreatitis (PCTT). Also called: Hereditary chronic pancreatitis; PRSS1-Related Hereditary Pancreatitis. Identifiers: Orphanet 676, MedGen C0238339, MONDO:0008185, OMIM 167800.

Allele frequency attached by ClinVar (database versions not stated): ExAC 0.00001; gnomAD 0.00001; gnomAD exomes 0.00001 and 0.00002; TOPMed 0.00001.
gnomAD v4.1: 27 of 1,612,918 alleles (0.0017%); highest among the groups gnomAD compares: African/African-American, 0.0027%; no homozygotes.

Submissions (2):

Labcorp Genetics (formerly Invitae), Labcorp
Classification: Uncertain significance. Last evaluated: 2024-12-13. Review status: criteria provided, single submitter. Criteria: Invitae Variant Classification Sherloc (09022015). Collection method: clinical testing. Allele origin: germline.
Comment: This sequence change affects codon 263 of the CPA1 mRNA. It is a 'silent' change, meaning that it does not change the encoded amino acid sequence of the CPA1 protein. It affects a nucleotide within the consensus splice site. This variant is present in population databases (rs782458397, gnomAD 0.007%). This variant has not been reported in the literature in individuals affected with CPA1-related conditions. ClinVar contains an entry for this variant (Variation ID: 827309). Algorithms developed to predict the effect of sequence changes on RNA splicing suggest that this variant is not likely to affect RNA splicing. In summary, the available evidence is currently insufficient to determine the role of this variant in disease. Therefore, it has been classified as a Variant of Uncertain Significance.

Ambry Genetics
Classification: Likely benign for Hereditary pancreatitis. Last evaluated: 2019-07-12. Review status: criteria provided, single submitter. Criteria: Ambry Variant Classification Scheme 2023. Collection method: clinical testing. Allele origin: germline.